The following is an entry in ClinVar:

NM_000260.4(MYO7A):c.5723_5724insTGTA (p.Pro1909fs)

Gene: MYO7A (myosin VIIA; plus strand). Cytogenetic location: 11q13.5.
Variant type: Insertion.
Coding change: c.5723_5724insTGTA on transcript NM_000260.4 (MANE Select); coding-DNA positions 5723 to 5724, TGTA inserted.
Protein change: p.Pro1909fs; shifts the reading frame from proline 1909.
Molecular consequence: frameshift variant.
Genome position: GRCh38 VCF-style: chr11-77206183-T-TTGTA. GRCh37 (hg19) VCF-style: chr11-76917228-T-TTGTA.
Other names: c.5609_5610insTGTA, p.Pro1871fs (NM_001127180.2); c.5576_5577insTGTA, p.Pro1860fs (NM_001369365.1); short protein forms P1860fs, P1871fs, P1909fs.
Identifiers: ClinVar variation 4081747 (VCV004081747.1).

ClinVar aggregate classification (germline): Pathogenic (1 of 4 stars; one submission).

Conditions:
Usher syndrome type 1 (USH1). Also called: RETINITIS PIGMENTOSA AND CONGENITAL DEAFNESS. Identifiers: Orphanet 231169, Orphanet 886, MedGen C1568247, MONDO:0010168, OMIM 276900.

Submission:

Myriad Genetics, Inc.
Classification: Pathogenic for Usher syndrome type 1. Last evaluated: 2025-03-24. Review status: criteria provided, single submitter. Criteria: Myriad Autosomal Dominant, Autosomal Recessive and X-Linked Classification Criteria (2023). Collection method: clinical testing. Allele origin: unknown.
Comment: NM_000260.3(MYO7A):c.5723_5724insTGTA(P1909Vfs*3) is a frameshift variant classified as pathogenic in the context of MYO7A-related disorders. P1909Vfs*3 has been observed in a case with relevant disease (PMID: 38884554). Relevant functional assessments of this variant are not available in the literature. P1909Vfs*3 has not been observed in referenced population frequency databases. In summary, NM_000260.3(MYO7A):c.5723_5724insTGTA(P1909Vfs*3) is a frameshift variant in a gene where loss of function is a known mechanism of disease, is predicted to disrupt protein function, and has been observed more frequently in cases with the relevant disease than in healthy populations. Please note: this variant was assessed in the context of healthy population screening.

Literature cited by the submitters: PubMed 38884554.